The following is an entry in ClinVar:

ClinVar aggregate classification (germline): Uncertain significance (1 of 4 stars; one submission).

Allele frequency attached by ClinVar (database versions not stated): gnomAD 0.00001; gnomAD exomes 0.00001.

Submission:

GeneDx
Classification: Uncertain significance. Last evaluated: 2019-04-19. Review status: criteria provided, single submitter. Criteria: GeneDx Variant Classification Process June 2021. Collection method: clinical testing. Allele origin: germline. Affected: yes.
Comment: Not observed at a significant frequency in large population cohorts; Nonsense variant predicted to result in protein truncation or nonsense mediated decay in a gene for which loss-of-function is not a known mechanism of disease; Has not been previously published as pathogenic or benign to our knowledge

NM_016495.6(TBC1D7):c.466C>T (p.Arg156Ter)

Genes: TBC1D7 (TBC1 domain family member 7; minus strand), TBC1D7-LOC100130357 (TBC1D7-LOC100130357 readthrough; minus strand). Cytogenetic location: 6p24.1.
Variant type: single nucleotide variant.
Coding change: c.466C>T on transcript NM_016495.6 (MANE Select); coding-DNA position 466, C replaced by T.
Protein change: p.Arg156Ter; replaces arginine 156 with a stop codon.
Molecular consequence: nonsense. On other transcripts: intron variant (1), non-coding transcript variant (1).
Genome position (GRCh38, 1-based): chr6:13,316,624, G>A on the plus strand (C>T on the coding strand, the complement: TBC1D7 is on the minus strand). VCF-style: chr6-13316624-G-A. GRCh37 (hg19) VCF-style: chr6-13316856-G-A.
Other names: c.381+4284C>T (NM_001258457.3); c.466C>T, p.Arg156Ter (NM_001318809.2, NM_001143964.4, NM_001143965.4 and 1 more transcripts); c.385C>T, p.Arg129Ter (NM_001143966.4); short protein forms R129*, R156*.
Identifiers: ClinVar variation 1302565 (VCV001302565.2), dbSNP rs1182790390, ClinGen allele CA362781106.